The following is an entry in ClinVar:

ClinVar aggregate classification (germline): Benign. Review status: criteria provided, multiple submitters, no conflicts (2 of 4 stars). 6 submissions from 6 submitters: Benign (5). 1 of the submissions does not count toward it. Last evaluated 2023-04-17.

Conditions:
Essential hypertension, genetic (EHT). Identifiers: MedGen CN305331, MONDO:0007781, OMIM 145500.
Ischemic stroke. Also called: Ischemic stroke, susceptibility to; CEREBROVASCULAR ACCIDENT. Identifiers: MedGen C0948008, MONDO:1060198, OMIM 601367, HP:0002140.
Preeclampsia/eclampsia 1 (PEE1). Identifiers: MedGen C5574918, MONDO:0100467, OMIM 189800.
Alzheimer disease type 1 (AD1). Also called: ALZHEIMER DISEASE, FAMILIAL, 1; ALZHEIMER DISEASE, FAMILIAL, 1, AUTOSOMAL RECESSIVE. Identifiers: MedGen C1863052, MONDO:0007088, OMIM 104300.
CORONARY ARTERY SPASM 1, SUSCEPTIBILITY TO. Identifiers: MedGen CN069974.

Allele frequency attached by ClinVar (database versions not stated): gnomAD 0.76319; 1000 Genomes Project 0.82368; ExAC 0.75302; TOPMed 0.76527; 1000 Genomes Project 30x 0.82199; gnomAD exomes 0.69300 and 0.75071.
gnomAD v4.1: 1,128,115 of 1,612,084 alleles (70%); highest among the groups gnomAD compares: East Asian, 90%; 399,768 homozygotes.

Submissions (6):

Department of Pathology and Laboratory Medicine, Sinai Health System
Classification: Benign for Alzheimer disease type 1; Essential hypertension, genetic; Preeclampsia/eclampsia 1; Ischemic stroke. Last evaluated: 2023-04-17. Review status: criteria provided, single submitter. Criteria: ACMG Guidelines, 2015. Collection method: research. Allele origin: germline.

Fulgent Genetics
Classification: Benign for Alzheimer disease type 1; Essential hypertension, genetic; Preeclampsia/eclampsia 1; Ischemic stroke. Last evaluated: 2021-09-22. Review status: criteria provided, single submitter. Criteria: ACMG Guidelines, 2015. Collection method: clinical testing. Allele origin: unknown.

GeneDx
Classification: Benign. Last evaluated: 2021-05-04. Review status: criteria provided, single submitter. Criteria: GeneDx Variant Classification Process June 2021. Collection method: clinical testing. Allele origin: germline. Affected: yes.
Comment: This variant is associated with the following publications: (PMID: 19435423, 21706163, 25095657, 20467051, 20854685, 19364839, 19158254, 21607713, 19560472, 17919260, 25937798, 20083095, 21816783, 17449720, 22025889, 19531501, 21919778, 21320716, 22561696, 21406182, 19929133, 19373110, 20691505, 23342892, 11823442, 23922896, 19804474, 20103956, 18815450, 18629615, 19087148, 20367485, 20193212, 22940147, 20049477, 23594558, 19773668, 9737779, 10451235, 11354626)

Laboratory for Molecular Medicine, Mass General Brigham Personalized Medicine
Classification: Benign. Last evaluated: 2016-03-28. Review status: criteria provided, single submitter. Criteria: LMM Criteria. Collection method: clinical testing. Allele origin: germline.
Comment: Variant identified in a genome or exome case(s) and assessed due to predicted null impact of the variant or pathogenic assertions in the literature or databases. Disclaimer: This variant has not undergone full assessment. The following are preliminary notes: Frequency, variant associated with coronary artery spasm, alzheimers, hypertension, stroke, heart disease

Breakthrough Genomics
Classification: Benign. Review status: criteria provided, single submitter. Criteria: ACMG Guidelines, 2015. Collection method: not provided. Allele origin: germline. Inheritance: Autosomal dominant inheritance. Affected: yes.

OMIM
Classification: Benign for RECLASSIFIED - NOS3 POLYMORPHISM. Last evaluated: 2007-04-01. Review status: no assertion criteria provided. Collection method: literature only. Allele origin: germline. Not counted in ClinVar's aggregate classification.

Literature cited by the submitters: Hamosh, A. Personal Communication. 2025. Baltimore, Md. (cited by OMIM); PubMed 9737779 (cited by OMIM); PubMed 9894802 (cited by OMIM); PubMed 10475066 (cited by OMIM); PubMed 10510054 (cited by OMIM); PubMed 15007011 (cited by OMIM); PubMed 10514107 (cited by OMIM); PubMed 11026457 (cited by OMIM); PubMed 16813604 (cited by OMIM); PubMed 11354626 (cited by OMIM); PubMed 11745998 (cited by OMIM); PubMed 16059745 (cited by OMIM); PubMed 15775780 (cited by OMIM); PubMed 34372765 (cited by OMIM); PubMed 11394896 (cited by OMIM); PubMed 17165044 (cited by OMIM); PubMed 17449720 (cited by OMIM).

NM_000603.5(NOS3):c.894T>G (p.Asp298Glu)

Gene: NOS3 (nitric oxide synthase 3; plus strand). Cytogenetic location: 7q36.1.
Variant type: single nucleotide variant.
Coding change: c.894T>G on transcript NM_000603.5 (MANE Select); coding-DNA position 894, T replaced by G.
Protein change: p.Asp298Glu; replaces aspartic acid 298 with glutamic acid.
Molecular consequence: missense variant.
Genome position (GRCh38, 1-based): chr7:150,999,023, T>G. VCF-style: chr7-150999023-T-G. GRCh37 (hg19) VCF-style: chr7-150696111-T-G.
Other names: E298D; G894T; c.894T>G, p.Asp298Glu (NM_001160109.2, NM_001160110.1, NM_001160111.1); short protein forms D298E.
Identifiers: ClinVar variation 14015 (VCV000014015.11), dbSNP rs1799983, ClinGen allele CA123702.